The following is an entry in ClinVar:

NM_006662.3(SRCAP):c.5816G>A (p.Arg1939His)

Gene: SRCAP (Snf2 related CREBBP activator protein; plus strand). Cytogenetic location: 16p11.2.
Variant type: single nucleotide variant.
Coding change: c.5816G>A on transcript NM_006662.3 (MANE Select); coding-DNA position 5816, G replaced by A.
Protein change: p.Arg1939His; replaces arginine 1939 with histidine.
Molecular consequence: missense variant.
Genome position (GRCh38, 1-based): chr16:30,729,123, G>A. VCF-style: chr16-30729123-G-A. GRCh37 (hg19) VCF-style: chr16-30740444-G-A.
Other names: short protein forms R1939H.
Identifiers: ClinVar variation 4760037 (VCV004760037.1).

ClinVar aggregate classification (germline): Uncertain significance (1 of 4 stars; one submission).

gnomAD v4.1: 5 of 1,614,122 alleles (0.00031%); highest among the groups gnomAD compares: South Asian, 0.0022%; no homozygotes.

Submission:

Labcorp Genetics (formerly Invitae), Labcorp
Classification: Uncertain significance. Last evaluated: 2025-10-15. Review status: criteria provided, single submitter. Criteria: Invitae Variant Classification Sherloc (09022015). Collection method: clinical testing. Allele origin: germline.
Comment: This sequence change replaces arginine, which is basic and polar, with histidine, which is basic and polar, at codon 1939 of the SRCAP protein (p.Arg1939His). This variant is present in population databases (rs553945599, gnomAD 0.003%). This variant has not been reported in the literature in individuals affected with SRCAP-related conditions. Invitae Evidence Modeling of protein sequence and biophysical properties (such as structural, functional, and spatial information, amino acid conservation, physicochemical variation, residue mobility, and thermodynamic stability) indicates that this missense variant is not expected to disrupt SRCAP protein function with a negative predictive value of 80%. In summary, the available evidence is currently insufficient to determine the role of this variant in disease. Therefore, it has been classified as a Variant of Uncertain Significance.